The following is an entry in ClinVar:

NM_001288705.3(CSF1R):c.294C>T (p.His98=)

Gene: CSF1R (colony stimulating factor 1 receptor; minus strand). Cytogenetic location: 5q32.
Variant type: single nucleotide variant.
Coding change: c.294C>T on transcript NM_001288705.3 (MANE Select); coding-DNA position 294, C replaced by T.
Protein change: p.His98=; no amino-acid change (histidine 98 retained).
Molecular consequence: synonymous variant. On other transcripts: 5 prime UTR variant (1), non-coding transcript variant (2).
Genome position (GRCh38, 1-based): chr5:150,080,780, G>A on the plus strand (C>T on the coding strand, the complement: CSF1R is on the minus strand). VCF-style: chr5-150080780-G-A. GRCh37 (hg19) VCF-style: chr5-149460343-G-A.
Other names: p.His98=; c.294C>T, p.His98= (NM_001349736.2, NM_001375320.1, NM_005211.4); c.-151C>T (NM_001375321.1).
Identifiers: ClinVar variation 352171 (VCV000352171.18), dbSNP rs17652007, ClinGen allele CA3507228.

ClinVar aggregate classification (germline): Benign. Review status: criteria provided, multiple submitters, no conflicts (2 of 4 stars). 7 submissions from 6 submitters: Benign (5). 2 of the submissions do not count toward it. Last evaluated 2026-02-03.

Conditions:
Hereditary diffuse leukoencephalopathy with spheroids. Also called: LEUKOENCEPHALOPATHY, ADULT-ONSET, WITH AXONAL SPHEROIDS AND PIGMENTED GLIA. Identifiers: Orphanet 313808, MedGen C3711381, MONDO:0030796.

Allele frequency attached by ClinVar (database versions not stated): ESP Exome Variant Server 0.01146; gnomAD exomes 0.01936 and 0.05928; gnomAD 0.03331 and 0.03550; TOPMed 0.04849; ExAC 0.04926; 1000 Genomes Project 0.07768; 1000 Genomes Project 30x 0.08026.
gnomAD v4.1: 34,178 of 1,613,990 alleles (2.1%); highest among the groups gnomAD compares: East Asian, 21%; 2,722 homozygotes.

Submissions (7):

Labcorp Genetics (formerly Invitae), Labcorp
Classification: Benign. Last evaluated: 2026-02-03. Review status: criteria provided, single submitter. Criteria: Invitae Variant Classification Sherloc (09022015). Collection method: clinical testing. Allele origin: germline.

Mayo Clinic Laboratories, Mayo Clinic
Classification: Benign. Last evaluated: 2022-03-24. Review status: criteria provided, single submitter. Criteria: ACMG Guidelines, 2015. Collection method: clinical testing. Allele origin: germline. Observed: 62 variant alleles.

GeneDx
Classification: Benign. Last evaluated: 2019-06-03. Review status: criteria provided, single submitter. Criteria: GeneDx Variant Classification Process June 2021. Collection method: clinical testing. Allele origin: germline. Affected: yes.

Illumina Laboratory Services, Illumina
Classification: Benign for Leukoencephalopathy, diffuse hereditary, with spheroids 1. Last evaluated: 2018-01-13. Review status: criteria provided, single submitter. Criteria: ICSL Variant Classification Criteria 13 December 2019. Collection method: clinical testing. Allele origin: germline.
Comment: This variant was observed in the ICSL laboratory as part of a predisposition screen in an ostensibly healthy population. It had not been previously curated by ICSL or reported in the Human Gene Mutation Database (HGMD: prior to June 1st, 2018), and was therefore a candidate for classification through an automated scoring system. Utilizing variant allele frequency, disease prevalence and penetrance estimates, and inheritance mode, an automated score was calculated to assess if this variant is too frequent to cause the disease. Based on the score and internal cut-off values, a variant classified as benign is not then subjected to further curation. The score for this variant resulted in a classification of benign for this disease.

Clinical Genetics DNA and cytogenetics Diagnostics Lab, Erasmus MC, Erasmus Medical Center
Classification: Benign for Leukoencephalopathy, diffuse hereditary, with spheroids 1. Last evaluated: 2017-06-28. Review status: criteria provided, single submitter. Criteria: ACGS Guidelines, 2013. Collection method: clinical testing. Allele origin: germline. Affected: yes. Study: VKGL Data-share Consensus.

Genome Diagnostics Laboratory, Amsterdam University Medical Center
Classification: Likely benign for Leukoencephalopathy, diffuse hereditary, with spheroids 1. Last evaluated: 2015-01-06. Review status: no assertion criteria provided. Criteria: ACGS Guidelines, 2013. Collection method: clinical testing. Allele origin: germline. Affected: yes. Study: VKGL Data-share Consensus. Not counted in ClinVar's aggregate classification.

Genome Diagnostics Laboratory, Amsterdam University Medical Center
Classification: Benign. Review status: no assertion criteria provided. Collection method: clinical testing. Allele origin: germline. Affected: yes. Study: VKGL Data-share Consensus. Not counted in ClinVar's aggregate classification.